The following is an entry in ClinVar:

ClinVar aggregate classification (germline): Uncertain significance. Review status: criteria provided, multiple submitters, no conflicts (2 of 4 stars). 2 submissions from 2 submitters: Uncertain significance (2). Last evaluated 2022-03-08.

Conditions:
Inborn genetic diseases. Identifiers: MedGen C0950123, MeSH D030342.

Allele frequency attached by ClinVar (database versions not stated): 1000 Genomes Project 30x 0.00016.
gnomAD v4.1: 5 of 1,552,146 alleles (0.00032%); highest among the groups gnomAD compares: Admixed American, 0.0059%; no homozygotes.

Submissions (2):

Women's Health and Genetics/Laboratory Corporation of America, LabCorp
Classification: Uncertain significance. Last evaluated: 2022-03-08. Review status: criteria provided, single submitter. Criteria: LabCorp Variant Classification Summary - May 2015. Collection method: clinical testing. Allele origin: germline.
Comment: Variant summary: LOXHD1 c.1419C>G (p.Ile473Met) results in a conservative amino acid change located in the PLAT/LH2 domain (IPR001024) of the encoded protein sequence. Four of five in-silico tools predict a benign effect of the variant on protein function. The variant allele was found at a frequency of 1.2e-05 in 160808 control chromosomes (gnomAD). The available data on variant occurrences in the general population are insufficient to allow any conclusion about variant significance. To our knowledge, no occurrence of c.1419C>G in individuals affected with Nonsyndromic Hearing Loss And Deafness, Type 77 and no experimental evidence demonstrating its impact on protein function have been reported. No clinical diagnostic laboratories have submitted clinical-significance assessments for this variant to ClinVar after 2014. Based on the evidence outlined above, the variant was classified as uncertain significance.

Ambry Genetics
Classification: Uncertain significance for Inborn genetic diseases. Last evaluated: 2021-06-22. Review status: criteria provided, single submitter. Criteria: Ambry Variant Classification Scheme 2023. Collection method: clinical testing. Allele origin: germline.

NM_001384474.1(LOXHD1):c.1419C>G (p.Ile473Met)

Gene: LOXHD1 (lipoxygenase homology PLAT domains 1; minus strand). Cytogenetic location: 18q21.1.
Variant type: single nucleotide variant.
Coding change: c.1419C>G on transcript NM_001384474.1 (MANE Select); coding-DNA position 1419, C replaced by G.
Protein change: p.Ile473Met; replaces isoleucine 473 with methionine.
Molecular consequence: missense variant.
Genome position (GRCh38, 1-based): chr18:46,593,612, G>C on the plus strand (C>G on the coding strand, the complement: LOXHD1 is on the minus strand). VCF-style: chr18-46593612-G-C. GRCh37 (hg19) VCF-style: chr18-44173575-G-C.
Other names: c.1419C>G, p.Ile473Met (NM_144612.7); short protein forms I473M.
Identifiers: ClinVar variation 1677052 (VCV001677052.4), dbSNP rs545358723, ClinGen allele CA8952807.